The following is an entry in ClinVar:

ClinVar aggregate classification (germline): Conflicting classifications of pathogenicity. Review status: criteria provided, conflicting classifications (1 of 4 stars). 5 submissions from 5 submitters: Uncertain significance (3); Benign (1). 1 of the submissions does not count toward it. Last evaluated 2024-05-14.

Conditions:
Knobloch syndrome 1 (KNO1). Identifiers: MedGen C4551775, MONDO:0800167, OMIM 267750.
COL18A1-related disorder. Also called: COL18A1-related condition; COL18A1-related disorders.

Allele frequency attached by ClinVar (database versions not stated): gnomAD exomes 0.00005 and 0.00011; ExAC 0.00016; 1000 Genomes Project 0.00060; 1000 Genomes Project 30x 0.00062; gnomAD 0.00064 and 0.00068; TOPMed 0.00065; ESP Exome Variant Server 0.00074.
gnomAD v4.1: 171 of 1,609,772 alleles (0.011%); highest among the groups gnomAD compares: African/African-American, 0.21%; 1 homozygote.

Submissions (5):

Blueprint Genetics
Classification: Benign. Last evaluated: 2024-05-14. Review status: criteria provided, single submitter. Criteria: ACMG Guidelines, 2015. Collection method: clinical testing. Allele origin: germline.

GeneDx
Classification: Uncertain significance. Last evaluated: 2023-07-20. Review status: criteria provided, single submitter. Criteria: GeneDx Variant Classification Process June 2021. Collection method: clinical testing. Allele origin: germline. Affected: yes.
Comment: Reported using an alternate transcript of the gene; In silico analysis supports that this missense variant does not alter protein structure/function; Has not been previously published as pathogenic or benign to our knowledge

Labcorp Genetics (formerly Invitae), Labcorp
Classification: Uncertain significance. Last evaluated: 2022-10-13. Review status: criteria provided, single submitter. Criteria: Invitae Variant Classification Sherloc (09022015). Collection method: clinical testing. Allele origin: germline.
Comment: The COL18A1 gene has multiple clinically relevant transcripts. This variant occurs in alternate transcript NM_030582.4, and corresponds to NM_130445.3:c.107-12210C>G in the primary transcript. This sequence change replaces leucine, which is neutral and non-polar, with valine, which is neutral and non-polar, at codon 168 of the COL18A1 protein (p.Leu168Val). This variant is present in population databases (rs201773944, gnomAD 0.2%). This variant has not been reported in the literature in individuals affected with COL18A1-related conditions. ClinVar contains an entry for this variant (Variation ID: 978155). Experimental studies and prediction algorithms are not available or were not evaluated, and the functional significance of this variant is currently unknown. Algorithms developed to predict the effect of sequence changes on RNA splicing suggest that this variant is not likely to affect RNA splicing. In summary, the available evidence is currently insufficient to determine the role of this variant in disease. Therefore, it has been classified as a Variant of Uncertain Significance.

New York Genome Center
Classification: Uncertain significance for Knobloch syndrome 1. Last evaluated: 2021-12-22. Review status: criteria provided, single submitter. Criteria: NYGC Assertion Criteria 2020. Collection method: clinical testing. Allele origin: germline. Observed: 1 heterozygote. Study: CSER-NYCKidSeq.

PreventionGenetics, part of Exact Sciences
Classification: Likely benign for COL18A1-related condition. Last evaluated: 2022-08-26. Review status: no assertion criteria provided. Collection method: clinical testing. Allele origin: germline. Not counted in ClinVar's aggregate classification.
Comment: This variant is classified as likely benign based on ACMG/AMP sequence variant interpretation guidelines (Richards et al. 2015 PMID: 25741868, with internal and published modifications).

NM_001379500.1(COL18A1):c.107-12210C>G

Gene: COL18A1 (collagen type XVIII alpha 1 chain; plus strand). Cytogenetic location: 21q22.3.
Variant type: single nucleotide variant.
Coding change: c.107-12210C>G on transcript NM_001379500.1 (MANE Select); 12210 bases into the intron before coding-DNA position 107, C replaced by G.
Molecular consequence: intron variant. On other transcripts: missense variant (2).
Genome position (GRCh38, 1-based): chr21:45,456,032, C>G. VCF-style: chr21-45456032-C-G. GRCh37 (hg19) VCF-style: chr21-46875946-C-G.
Other names: c.502C>G, p.Leu168Val (NM_030582.4, NM_130444.3); c.502C>G (NM_030582.3); short protein forms L168V.
Identifiers: ClinVar variation 978155 (VCV000978155.9), dbSNP rs201773944, ClinGen allele CA10065494.
Genomic context (GRCh38, chr21:45,456,032, plus strand): 5'-CCTGTGGGCCCCCTTGCCCTCGCTGGGCCTTCCAGCACCCCCCAGGAGAATGGGACCACT[C>G]TCTGGCCCAGCCGTGGCATTCCTAGCTCTCCGGGCGCCCACACAACCGAGGCTGGCACCT-3'